The following is an entry in ClinVar:

NM_000535.7(PMS2):c.1144+3A>T

Gene: PMS2 (PMS1 homolog 2, mismatch repair system component; minus strand). Cytogenetic location: 7p22.1.
Variant type: single nucleotide variant.
Coding change: c.1144+3A>T on transcript NM_000535.7 (MANE Select); 3 bases into the intron after coding-DNA position 1144, A replaced by T.
Molecular consequence: intron variant.
Genome position (GRCh38, 1-based): chr7:5,989,797, T>A on the plus strand (A>T on the coding strand, the complement: PMS2 is on the minus strand). VCF-style: chr7-5989797-T-A. GRCh37 (hg19) VCF-style: chr7-6029428-T-A.
Other names: c.826+3A>T (NM_001322008.2, NM_001322007.2); c.583+2176A>T (NM_001322010.2); c.739+3A>T (NM_001322004.2, NM_001322003.2, NM_001322009.2 and 1 more transcripts); c.571+3A>T (NM_001322013.2); c.211+3A>T (NM_001322012.2, NM_001322011.2); c.835+3A>T (NM_001322015.2); c.988+2176A>T (NM_001322006.2); c.1144+3A>T (NM_001322014.2).
Identifiers: ClinVar variation 455640 (VCV000455640.14), dbSNP rs1430015665, ClinGen allele CA658655986.

ClinVar aggregate classification (germline): Conflicting classifications of pathogenicity. Review status: criteria provided, conflicting classifications (1 of 4 stars). 2 submissions from 2 submitters: Likely pathogenic (1); Uncertain significance (1). Last evaluated 2026-02-13.

Conditions:
Hereditary nonpolyposis colorectal neoplasms. Identifiers: MedGen C0009405, MeSH D003123.
Hereditary cancer-predisposing syndrome. Also called: Neoplastic Syndromes, Hereditary; Tumor predisposition; Hereditary neoplastic syndrome; Hereditary Cancer Syndrome. Identifiers: Orphanet 140162, MedGen C0027672, MeSH D009386, MONDO:0015356.

Submissions (2):

Ambry Genetics
Classification: Uncertain significance for Hereditary cancer-predisposing syndrome. Last evaluated: 2026-02-13. Review status: criteria provided, single submitter. Criteria: Ambry Variant Classification Scheme 2023. Collection method: clinical testing. Allele origin: germline.
Comment: The c.1144+3A>T intronic variant results from an A to T substitution 3 nucleotides after coding exon 10 in the PMS2 gene. This nucleotide position is well conserved in available vertebrate species. In silico splice site analysis predicts that this alteration will not have any significant effect on splicing. Based on the available evidence, the clinical significance of this variant remains unclear.

Labcorp Genetics (formerly Invitae), Labcorp
Classification: Likely pathogenic for Hereditary nonpolyposis colorectal neoplasms. Last evaluated: 2025-07-30. Review status: criteria provided, single submitter. Criteria: Invitae Variant Classification Sherloc (09022015). Collection method: clinical testing. Allele origin: germline.
Comment: This sequence change falls in intron 10 of the PMS2 gene. It does not directly change the encoded amino acid sequence of the PMS2 protein. RNA analysis indicates that this variant induces altered splicing and likely results in a shortened protein product. This variant is not present in population databases (gnomAD no frequency). This variant has not been reported in the literature in individuals affected with PMS2-related conditions. ClinVar contains an entry for this variant (Variation ID: 455640). Variants that disrupt the consensus splice site are a relatively common cause of aberrant splicing (PMID: 17576681, 9536098). Studies have shown that this variant results in skipping of exon 10, but is expected to preserve the integrity of the reading-frame (internal data). Other variant(s) that result in skipping of exon 10 have been determined to be pathogenic (PMID: 29566657, 30521064; internal data). This suggests that this variant may also be clinically significant and likely to be disease-causing. In summary, the currently available evidence indicates that the variant is pathogenic, but additional data are needed to prove that conclusively. Therefore, this variant has been classified as Likely Pathogenic.

Literature cited by the submitters: PubMed 17576681 (cited by Labcorp Genetics (formerly Invitae), Labcorp); PubMed 9536098 (cited by Labcorp Genetics (formerly Invitae), Labcorp); PubMed 29566657 (cited by Labcorp Genetics (formerly Invitae), Labcorp); PubMed 30521064 (cited by Labcorp Genetics (formerly Invitae), Labcorp).